The following is an entry in ClinVar:

NM_016492.5(RANGRF):c.249G>C (p.Glu83Asp)

Genes: RANGRF (RAN guanine nucleotide release factor; plus strand), SLC25A35 (solute carrier family 25 member 35; minus strand). Cytogenetic location: 17p13.1.
Variant type: single nucleotide variant.
Coding change: c.249G>C on transcript NM_016492.5 (MANE Select); coding-DNA position 249, G replaced by C.
Protein change: p.Glu83Asp; replaces glutamic acid 83 with aspartic acid.
Molecular consequence: missense variant. On other transcripts: 3 prime UTR variant (2), non-coding transcript variant (2), intron variant (1).
Genome position (GRCh38, 1-based): chr17:8,289,312, G>C. VCF-style: chr17-8289312-G-C. GRCh37 (hg19) VCF-style: chr17-8192630-G-C.
Other names: p.E83D:GAG>GAC; c.249G>C, p.Glu83Asp (NM_001177801.2, NM_001177802.2, NM_001330127.2); c.*171C>G (NM_001320872.2); c.*304C>G (NM_201520.3); c.*42+262C>G (NM_001320871.2); short protein forms E83D.
Identifiers: ClinVar variation 190842 (VCV000190842.10), dbSNP rs751751942, ClinGen allele CA302119.

ClinVar aggregate classification (germline): Uncertain significance. Review status: criteria provided, multiple submitters, no conflicts (2 of 4 stars). 2 submissions from 2 submitters: Uncertain significance (2). Last evaluated 2025-11-03.

Conditions:
Cardiac arrhythmia. Also called: Arrhythmia; Cardiac rhythm disease. Identifiers: MedGen C0003811, MONDO:0007263, HP:0011675.

Allele frequency attached by ClinVar (database versions not stated): ExAC 0.00001; gnomAD 0.00003; TOPMed 0.00004.
gnomAD v4.1: 76 of 1,614,046 alleles (0.0047%); highest among the groups gnomAD compares: Admixed American, 0.01%; no homozygotes.

Submissions (2):

Labcorp Genetics (formerly Invitae), Labcorp
Classification: Uncertain significance for Cardiac arrhythmia. Last evaluated: 2025-11-03. Review status: criteria provided, single submitter. Criteria: Invitae Variant Classification Sherloc (09022015). Collection method: clinical testing. Allele origin: germline.
Comment: This sequence change replaces glutamic acid, which is acidic and polar, with aspartic acid, which is acidic and polar, at codon 83 of the RANGRF protein (p.Glu83Asp). This variant is present in population databases (rs751751942, gnomAD 0.009%). This missense change has been observed in individual(s) with clinical features of aborted sudden cardiac death with ECG patterns suggestive of ischemia (PMID: 21447824, 22010171). ClinVar contains an entry for this variant (Variation ID: 190842). An algorithm developed to predict the effect of missense changes on protein structure and function outputs the following: PolyPhen-2: "Benign". The aspartic acid amino acid residue is found in multiple mammalian species, which suggests that this missense change does not adversely affect protein function. Experimental studies have shown that this missense change affects RANGRF function (PMID: 21447824, 26903377, 30282806). In summary, the available evidence is currently insufficient to determine the role of this variant in disease. Therefore, it has been classified as a Variant of Uncertain Significance.

GeneDx
Classification: Uncertain significance. Last evaluated: 2016-08-29. Review status: criteria provided, single submitter. Criteria: GeneDx Variant Classification (06012015). Collection method: clinical testing. Allele origin: germline. Affected: yes.
Comment: A published variant of uncertain significance has been identified in the RANGRF gene. However, the ECG pattern inthis individual was noted to display changes typical for a post-resuscitation ECG, and it was suggested that thispattern may be more indicative of ischemia rather than BrS (Olesen M et al., 2011). No relatives were available forsegregation analysis (Kattygnarath D et al., 2011). Co-expression studies performed in vitro showed that the E83Dvariant decreased the surface expression of the SCN5A channel and decreased sodium current density in ratcardiomyocytes and HEK293 cells, respectively (Kattygnarath D et al., 2011). This variant was not observed in 281control subjects (Kattygnarath D et al., 2011), nor was it observed in approximately 6,500 individuals of Europeanand African American ancestry in the NHLBI Exome Sequencing Project, indicating it is not a common benignvariant in these populations. However, the E83D variant is a conservative amino acid substitution, which is notlikely to impact secondary protein structure as these residues share similar properties. Furthermore, this substitutionoccurs at a position that is not conserved across species, and in silico analysis is predicts this variant likely does notalter the protein structure/function. Therefore, based on the currently available information, it is unclear whether this variant is a pathogenic or a rare benign variant.

Literature cited by the submitters: PubMed 21447824 (cited by Labcorp Genetics (formerly Invitae), Labcorp); PubMed 22010171 (cited by Labcorp Genetics (formerly Invitae), Labcorp); PubMed 26903377 (cited by Labcorp Genetics (formerly Invitae), Labcorp); PubMed 30282806 (cited by Labcorp Genetics (formerly Invitae), Labcorp).